The following is an entry in ClinVar:

ClinVar aggregate classification (germline): Uncertain significance (1 of 4 stars; one submission).

Conditions:
Dilated cardiomyopathy 1G (CMD1G). Identifiers: Orphanet 154, MedGen C1858763, MONDO:0011400, OMIM 604145.
Autosomal recessive limb-girdle muscular dystrophy type 2J (LGMDR10). Also called: Limb-girdle muscular dystrophy, type 2J; MUSCULAR DYSTROPHY, LIMB-GIRDLE, AUTOSOMAL RECESSIVE 10. Identifiers: Orphanet 140922, MedGen C1837342, MONDO:0012127, OMIM 608807.

gnomAD v4.1: 3 of 1,608,638 alleles (0.00019%); highest among the groups gnomAD compares: Non-Finnish European, 0.00025%; no homozygotes.

Submission:

Labcorp Genetics (formerly Invitae), Labcorp
Classification: Uncertain significance for Dilated cardiomyopathy 1G; Autosomal recessive limb-girdle muscular dystrophy type 2J. Last evaluated: 2022-08-02. Review status: criteria provided, single submitter. Criteria: Invitae Variant Classification Sherloc (09022015). Collection method: clinical testing. Allele origin: germline.
Comment: In summary, the available evidence is currently insufficient to determine the role of this variant in disease. Therefore, it has been classified as a Variant of Uncertain Significance. This variant is located in the M band of TTN (PMID: 25589632). Variants in this region may be relevant for neuromuscular disorders, but have not been definitively shown to cause cardiomyopathy (PMID: 23975875). Experimental studies and prediction algorithms are not available or were not evaluated, and the functional significance of this variant is currently unknown. This sequence change replaces glutamic acid, which is acidic and polar, with lysine, which is basic and polar, at codon 33913 of the TTN protein (p.Glu33913Lys). This variant is present in population databases (no rsID available, gnomAD 0.0009%). This variant has not been reported in the literature in individuals affected with TTN-related conditions.

Literature cited by the submitters: PubMed 25589632; PubMed 23975875.

NM_001267550.2(TTN):c.101737G>A (p.Glu33913Lys)

Genes: TTN-AS1 (TTN antisense RNA 1; plus strand), TTN (titin; minus strand). Cytogenetic location: 2q31.2.
Variant type: single nucleotide variant.
Coding change: c.101737G>A on transcript NM_001267550.2 (MANE Select); coding-DNA position 101737, G replaced by A.
Protein change: p.Glu33913Lys; replaces glutamic acid 33913 with lysine.
Molecular consequence: missense variant.
Genome position (GRCh38, 1-based): chr2:178,534,878, C>T on the plus strand (G>A on the coding strand, the complement: TTN is on the minus strand). VCF-style: chr2-178534878-C-T. GRCh37 (hg19) VCF-style: chr2-179399605-C-T.
Other names: c.96814G>A, p.Glu32272Lys (NM_001256850.1); c.74542G>A, p.Glu24848Lys (NM_003319.4); c.94033G>A, p.Glu31345Lys (NM_133378.4); c.74917G>A, p.Glu24973Lys (NM_133432.3); c.75118G>A, p.Glu25040Lys (NM_133437.4); short protein forms E25040K, E24848K, E33913K, E24973K, E31345K, E32272K.
Identifiers: ClinVar variation 1912270 (VCV001912270.5), dbSNP rs1376195366, ClinGen allele CA349419744.
Genomic context (GRCh38, chr2:178,534,878, plus strand): 5'-GACTGTGTAAAAACTGAAGTGCTTCACAGACCTGGTGAACATAACTTACAATTTCTCTTT[C>T]ATTAAGTTCAAAAGCACTTGTGTTAATGCGCTCAAATATGTCAAGTCCTGATATAAACTC-3'
Protein context (NP_001254479.2, residues 33903-33923): RINTSAFELN[Glu33913Lys]REIVSYVHQV